The following is an entry in ClinVar:

NM_058179.4(PSAT1):c.4G>A (p.Asp2Asn)

Gene: PSAT1 (phosphoserine aminotransferase 1; plus strand). Cytogenetic location: 9q21.2.
Variant type: single nucleotide variant.
Coding change: c.4G>A on transcript NM_058179.4 (MANE Select); coding-DNA position 4, G replaced by A.
Protein change: p.Asp2Asn; replaces aspartic acid 2 with asparagine.
Molecular consequence: missense variant.
Genome position (GRCh38, 1-based): chr9:78,297,214, G>A. VCF-style: chr9-78297214-G-A. GRCh37 (hg19) VCF-style: chr9-80912130-G-A.
Other names: c.4G>A, p.Asp2Asn (NM_021154.5); short protein forms D2N.
Identifiers: ClinVar variation 976916 (VCV000976916.9), dbSNP rs547331710, ClinGen allele CA373871148.
Genomic context (GRCh38, chr9:78,297,214, plus strand): 5'-CCAGCCGTTCACGCGTTCGGTCCTCCTTGGCTGACTCACCGCCCTGGCCGCCGCACCATG[G>A]ACGCCCCCAGGCAGGTGGTCAACTTTGGGCCTGGTCCCGCCAAGCTGCCGCACTCAGTAA-3'
Protein context (NP_478059.1, residues 1-12): M[Asp2Asn]APRQVVNFGP

ClinVar aggregate classification (germline): Uncertain significance. Review status: criteria provided, single submitter (1 of 4 stars). 2 submissions from 2 submitters: Uncertain significance (1). 1 of the submissions does not count toward it. Last evaluated 2022-02-10.

Conditions:
Neu-Laxova syndrome 2. Identifiers: Orphanet 2671, Orphanet 583602, MedGen C4015019, MONDO:0014466, OMIM 616038.

gnomAD v4.1: 11 of 1,600,868 alleles (0.00069%); highest among the groups gnomAD compares: Non-Finnish European, 0.00085%; no homozygotes.

Submissions (2):

Labcorp Genetics (formerly Invitae), Labcorp
Classification: Uncertain significance for Neu-Laxova syndrome 2. Last evaluated: 2022-02-10. Review status: criteria provided, single submitter. Criteria: Invitae Variant Classification Sherloc (09022015). Collection method: clinical testing. Allele origin: germline.
Comment: Experimental studies have shown that this missense change does not substantially affect PSAT1 function (PMID: 32077105). In summary, the available evidence is currently insufficient to determine the role of this variant in disease. Therefore, it has been classified as a Variant of Uncertain Significance. Algorithms developed to predict the effect of missense changes on protein structure and function (SIFT, PolyPhen-2, Align-GVGD) all suggest that this variant is likely to be tolerated. ClinVar contains an entry for this variant (Variation ID: 976916). This variant has not been reported in the literature in individuals affected with PSAT1-related conditions. The frequency data for this variant in the population databases is considered unreliable, as metrics indicate poor data quality at this position in the gnomAD database. This sequence change replaces aspartic acid, which is acidic and polar, with asparagine, which is neutral and polar, at codon 2 of the PSAT1 protein (p.Asp2Asn).

Dudley Research Group, Pacific Northwest Research Institute
No classification provided. Review status: no classification provided. Collection method: research, in vivo. Allele origin: unknown, not applicable. Functional consequence: functionally_normal. Not counted in ClinVar's aggregate classification.

Literature cited by the submitters: PubMed 32077105 (cited by Labcorp Genetics (formerly Invitae), Labcorp).